The following is an entry in ClinVar:

ClinVar aggregate classification (germline): Uncertain significance (1 of 4 stars; one submission).

gnomAD v4.1: 10 of 1,613,960 alleles (0.00062%); highest among the groups gnomAD compares: Non-Finnish European, 0.00076%; no homozygotes.

Submission:

GeneDx
Classification: Uncertain significance. Last evaluated: 2024-09-24. Review status: criteria provided, single submitter. Criteria: GeneDx Variant Classification Process June 2021. Collection method: clinical testing. Allele origin: germline. Affected: yes.
Comment: Not observed at significant frequency in large population cohorts (gnomAD); In silico analysis supports that this missense variant has a deleterious effect on protein structure/function; Has not been previously published as pathogenic or benign to our knowledge

NM_002473.6(MYH9):c.3184G>A (p.Asp1062Asn)

Gene: MYH9 (myosin heavy chain 9; minus strand). Cytogenetic location: 22q12.3.
Variant type: single nucleotide variant.
Coding change: c.3184G>A on transcript NM_002473.6 (MANE Select); coding-DNA position 3184, G replaced by A.
Protein change: p.Asp1062Asn; replaces aspartic acid 1062 with asparagine.
Molecular consequence: missense variant.
Genome position (GRCh38, 1-based): chr22:36,296,931, C>T on the plus strand (G>A on the coding strand, the complement: MYH9 is on the minus strand). VCF-style: chr22-36296931-C-T. GRCh37 (hg19) VCF-style: chr22-36692977-C-T.
Other names: short protein forms D1062N.
Identifiers: ClinVar variation 3774041 (VCV003774041.1).